The following is an entry in ClinVar:

ClinVar aggregate classification (germline): Uncertain significance (1 of 4 stars; one submission).

Conditions:
Charcot-Marie-Tooth disease axonal type 2C (HMSN2C). Also called: Charcot-Marie-Tooth Disease Type 2, TRPV4-Related (CMT2C); CHARCOT-MARIE-TOOTH DISEASE, AXONAL, AUTOSOMAL DOMINANT, TYPE 2C; Charcot-Marie-Tooth Neuropathy Type 2C. Identifiers: Orphanet 99937, MedGen C1853710, MONDO:0011633, OMIM 606071.

Submission:

Labcorp Genetics (formerly Invitae), Labcorp
Classification: Uncertain significance for Charcot-Marie-Tooth disease axonal type 2C. Last evaluated: 2024-01-08. Review status: criteria provided, single submitter. Criteria: Invitae Variant Classification Sherloc (09022015). Collection method: clinical testing. Allele origin: germline.
Comment: This sequence change replaces lysine, which is basic and polar, with glutamic acid, which is acidic and polar, at codon 77 of the TRPV4 protein (p.Lys77Glu). This variant is not present in population databases (gnomAD no frequency). This variant has not been reported in the literature in individuals affected with TRPV4-related conditions. ClinVar contains an entry for this variant (Variation ID: 568724). Advanced modeling of protein sequence and biophysical properties (such as structural, functional, and spatial information, amino acid conservation, physicochemical variation, residue mobility, and thermodynamic stability) has been performed at Invitae for this missense variant, however the output from this modeling did not meet the statistical confidence thresholds required to predict the impact of this variant on TRPV4 protein function. In summary, the available evidence is currently insufficient to determine the role of this variant in disease. Therefore, it has been classified as a Variant of Uncertain Significance.

NM_021625.5(TRPV4):c.229A>G (p.Lys77Glu)

Gene: TRPV4 (transient receptor potential cation channel subfamily V member 4; minus strand). Cytogenetic location: 12q24.11.
Variant type: single nucleotide variant.
Coding change: c.229A>G on transcript NM_021625.5 (MANE Select); coding-DNA position 229, A replaced by G.
Protein change: p.Lys77Glu; replaces lysine 77 with glutamic acid.
Molecular consequence: missense variant.
Genome position (GRCh38, 1-based): chr12:109,814,568, T>C on the plus strand (A>G on the coding strand, the complement: TRPV4 is on the minus strand). VCF-style: chr12-109814568-T-C. GRCh37 (hg19) VCF-style: chr12-110252373-T-C.
Other names: c.127A>G, p.Lys43Glu (NM_001177431.2); c.229A>G, p.Lys77Glu (NM_001177433.2, NM_147204.3, NM_001177428.2); short protein forms K77E, K43E.
Identifiers: ClinVar variation 568724 (VCV000568724.8), dbSNP rs1565883324, ClinGen allele CA386660551.
Genomic context (GRCh38, chr12:109,814,568, plus strand): 5'-GCACCACCGAGGACTCATATAGGGTGGACTCCAGCAGATCGATGGGGTTGGGCACCCCCT[T>C]GCGGAAGGCGCCCTGGAACTTCATGCGCAGATTTGGTCGCCCATCGCCTGGGCCAGCAGG-3'
Protein context (NP_067638.3, residues 67-87): LRMKFQGAFR[Lys77Glu]GVPNPIDLLE